The following is an entry in ClinVar:

NM_000089.4(COL1A2):c.1838G>A (p.Gly613Glu)

Gene: COL1A2 (collagen type I alpha 2 chain; plus strand). Cytogenetic location: 7q21.3.
Variant type: single nucleotide variant.
Coding change: c.1838G>A on transcript NM_000089.4 (MANE Select); coding-DNA position 1838, G replaced by A.
Protein change: p.Gly613Glu; replaces glycine 613 with glutamic acid.
Molecular consequence: missense variant.
Genome position (GRCh38, 1-based): chr7:94,416,478, G>A. VCF-style: chr7-94416478-G-A. GRCh37 (hg19) VCF-style: chr7-94045790-G-A.
Other names: short protein forms G613E.
Identifiers: ClinVar variation 1701992 (VCV001701992.11), dbSNP rs2115917195, ClinGen allele CA368222700.

ClinVar aggregate classification (germline): Pathogenic/Likely pathogenic. Review status: criteria provided, multiple submitters, no conflicts (2 of 4 stars). 5 submissions from 5 submitters: Pathogenic (1); Likely pathogenic (4). Last evaluated 2026-03-12.

Conditions:
Osteogenesis imperfecta type I (OI1). Also called: OI, TYPE I; OSTEOGENESIS IMPERFECTA TARDA; OSTEOGENESIS IMPERFECTA WITH BLUE SCLERAE; Osteogenesis imperfecta type 1; Lobstein disease; Classic Non-deforming Osteogenesis Imperfecta with Blue Sclerae. Identifiers: Orphanet 216796, Orphanet 666, MedGen C0023931, MONDO:0008146, OMIM 166200. Disease mechanism: loss of function.
Ehlers-Danlos syndrome, classic type, 1 (EDSCL1). Also called: EHLERS-DANLOS SYNDROME, GRAVIS TYPE; EHLERS-DANLOS SYNDROME, SEVERE CLASSIC TYPE; EDS I; Ehlers-Danlos syndrome, type 1; Ehlers-Danlos Syndrome, Classic Type, COL5A1-Related. Identifiers: MedGen C0268335, MONDO:0019567, OMIM 130000.
Osteogenesis imperfecta (OI). Identifiers: Orphanet 666, MedGen C0029434, MeSH D010013, MONDO:0019019.
COL1A2-related disorder. Also called: COL1A2-Related Disorders; COL1A2-related condition.

Submissions (5):

GeneDx
Classification: Pathogenic. Last evaluated: 2026-03-12. Review status: criteria provided, single submitter. Criteria: GeneDx Variant Classification Process June 2021. Collection method: clinical testing. Allele origin: germline.
Comment: Identified in a patient with a skeletal disorder in published literature (PMID: 38702915) but additional evidence is not available; Occurs in the triple helical domain and replaces a glycine in a canonical Gly-X-Y repeat; missense substitution of a canonical glycine residue is expected to disrupt normal protein folding and function, and this is an established mechanism of disease (PMID: 34007986); Not observed at significant frequency in large population cohorts (gnomAD); In silico analysis supports that this missense variant has a deleterious effect on protein structure/function; This variant is associated with the following publications: (PMID: 34007986, 38702915)

Revvity Omics, Revvity
Classification: Likely pathogenic. Last evaluated: 2024-03-15. Review status: criteria provided, single submitter. Criteria: ACMG Guidelines, 2015. Collection method: clinical testing. Allele origin: germline.

Genome Diagnostics Laboratory, The Hospital for Sick Children
Classification: Likely pathogenic for Osteogenesis imperfecta. Last evaluated: 2022-04-28. Review status: criteria provided, single submitter. Criteria: ACMG Guidelines, 2015. Collection method: clinical testing. Allele origin: germline.

Labcorp Genetics (formerly Invitae), Labcorp
Classification: Likely pathogenic for Osteogenesis imperfecta type I; Ehlers-Danlos syndrome, classic type, 1. Last evaluated: 2022-03-11. Review status: criteria provided, single submitter. Criteria: Invitae Variant Classification Sherloc (09022015). Collection method: clinical testing. Allele origin: germline.
Comment: This sequence change replaces glycine, which is neutral and non-polar, with glutamic acid, which is acidic and polar, at codon 613 of the COL1A2 protein (p.Gly613Glu). This variant is not present in population databases (gnomAD no frequency). This variant has not been reported in the literature in individuals affected with COL1A2-related conditions. Advanced modeling of protein sequence and biophysical properties (such as structural, functional, and spatial information, amino acid conservation, physicochemical variation, residue mobility, and thermodynamic stability) performed at Invitae indicates that this missense variant is expected to disrupt COL1A2 protein function. This variant disrupts the triple helix domain of COL1A2. Glycine residues within the Gly-Xaa-Yaa repeats of the triple helix domain are required for the structure and stability of fibrillar collagens (PMID: 7695699, 8218237, 19344236). In COL1A2, variants affecting these glycine residues are significantly enriched in individuals with disease (PMID: 9016532, 17078022) compared to the general population (ExAC). In summary, the currently available evidence indicates that the variant is pathogenic, but additional data are needed to prove that conclusively. Therefore, this variant has been classified as Likely Pathogenic.

Blueprint Genetics
Classification: Likely pathogenic for COL1A2-related disorders. Last evaluated: 2018-07-13. Review status: criteria provided, single submitter. Criteria: ACMG Guidelines, 2015. Collection method: clinical testing. Allele origin: germline. Affected: yes. Observed: 1 variant allele.

Literature cited by the submitters: PubMed 7695699 (cited by Labcorp Genetics (formerly Invitae), Labcorp); PubMed 8218237 (cited by Labcorp Genetics (formerly Invitae), Labcorp); PubMed 19344236 (cited by Labcorp Genetics (formerly Invitae), Labcorp); PubMed 9016532 (cited by Labcorp Genetics (formerly Invitae), Labcorp); PubMed 17078022 (cited by Labcorp Genetics (formerly Invitae), Labcorp).